The following is an entry in ClinVar:

NM_001113378.2(FANCI):c.3133C>G (p.Leu1045Val)

Gene: FANCI (FA complementation group I; plus strand). Cytogenetic location: 15q26.1.
Variant type: single nucleotide variant.
Coding change: c.3133C>G on transcript NM_001113378.2 (MANE Select); coding-DNA position 3133, C replaced by G.
Protein change: p.Leu1045Val; replaces leucine 1045 with valine.
Molecular consequence: missense variant.
Genome position (GRCh38, 1-based): chr15:89,305,189, C>G. VCF-style: chr15-89305189-C-G. GRCh37 (hg19) VCF-style: chr15-89848420-C-G.
Other names: c.2854C>G, p.Leu952Val (NM_001376910.1); c.3133C>G, p.Leu1045Val (NM_001376911.1); c.2953C>G, p.Leu985Val (NM_018193.3); short protein forms L952V, L985V, L1045V.
Identifiers: ClinVar variation 1427604 (VCV001427604.6), dbSNP rs1343059856, ClinGen allele CA393739330.

ClinVar aggregate classification (germline): Uncertain significance. Review status: criteria provided, multiple submitters, no conflicts (2 of 4 stars). 2 submissions from 2 submitters: Uncertain significance (2). Last evaluated 2022-03-15.

Conditions:
Fanconi anemia complementation group I (FANCI). Also called: FANCI-Related Fanconi Anemia. Identifiers: Orphanet 84, MedGen C1836861, MONDO:0012186, OMIM 609053.
Fanconi anemia (FA). Also called: Fanconi's anemia. Identifiers: Orphanet 84, MedGen C0015625, MeSH D005199, MONDO:0019391.

Allele frequency attached by ClinVar (database versions not stated): gnomAD exomes below 0.00001; gnomAD 0.00001; TOPMed 0.00001.
gnomAD v4.1: 7 of 1,614,116 alleles (0.00043%); highest among the groups gnomAD compares: Non-Finnish European, 0.00051%; no homozygotes.

Submissions (2):

Fulgent Genetics
Classification: Uncertain significance for Fanconi anemia complementation group I. Last evaluated: 2022-03-15. Review status: criteria provided, single submitter. Criteria: ACMG Guidelines, 2015. Collection method: clinical testing. Allele origin: unknown.

Labcorp Genetics (formerly Invitae), Labcorp
Classification: Uncertain significance for Fanconi anemia. Last evaluated: 2021-08-28. Review status: criteria provided, single submitter. Criteria: Invitae Variant Classification Sherloc (09022015). Collection method: clinical testing. Allele origin: germline.
Comment: This sequence change replaces leucine with valine at codon 1045 of the FANCI protein (p.Leu1045Val). The leucine residue is moderately conserved and there is a small physicochemical difference between leucine and valine. This variant is not present in population databases (ExAC no frequency). This variant has not been reported in the literature in individuals affected with FANCI-related conditions. Algorithms developed to predict the effect of missense changes on protein structure and function output the following: SIFT: "Tolerated"; PolyPhen-2: "Benign"; Align-GVGD: "Class C0". The valine amino acid residue is found in multiple mammalian species, which suggests that this missense change does not adversely affect protein function. In summary, the available evidence is currently insufficient to determine the role of this variant in disease. Therefore, it has been classified as a Variant of Uncertain Significance.